The following is an entry in ClinVar:

ClinVar aggregate classification (germline): Uncertain significance. Review status: criteria provided, multiple submitters, no conflicts (2 of 4 stars). 2 submissions from 2 submitters: Uncertain significance (2). Last evaluated 2026-01-25.

Conditions:
Inborn genetic diseases. Identifiers: MedGen C0950123, MeSH D030342.

Allele frequency attached by ClinVar (database versions not stated): gnomAD 0.00001; TOPMed 0.00001; ExAC 0.00002; gnomAD exomes 0.00002.
gnomAD v4.1: 26 of 1,613,816 alleles (0.0016%); highest among the groups gnomAD compares: South Asian, 0.014%; no homozygotes.

Submissions (2):

Labcorp Genetics (formerly Invitae), Labcorp
Classification: Uncertain significance. Last evaluated: 2026-01-25. Review status: criteria provided, single submitter. Criteria: Invitae Variant Classification Sherloc (09022015). Collection method: clinical testing. Allele origin: germline.
Comment: This sequence change replaces glutamic acid, which is acidic and polar, with lysine, which is basic and polar, at codon 507 of the SAMD9L protein (p.Glu507Lys). This variant is present in population databases (rs757728711, gnomAD 0.01%). This variant has not been reported in the literature in individuals affected with SAMD9L-related conditions. ClinVar contains an entry for this variant (Variation ID: 1518867). Invitae Evidence Modeling of protein sequence and biophysical properties (such as structural, functional, and spatial information, amino acid conservation, physicochemical variation, residue mobility, and thermodynamic stability) indicates that this missense variant is not expected to disrupt SAMD9L protein function with a negative predictive value of 80%. In summary, the available evidence is currently insufficient to determine the role of this variant in disease. Therefore, it has been classified as a Variant of Uncertain Significance.

Ambry Genetics
Classification: Uncertain significance for Inborn genetic diseases. Last evaluated: 2024-11-20. Review status: criteria provided, single submitter. Criteria: Ambry Variant Classification Scheme 2023. Collection method: clinical testing. Allele origin: germline.

NM_152703.5(SAMD9L):c.1519G>A (p.Glu507Lys)

Gene: SAMD9L (sterile alpha motif domain containing 9 like; minus strand). Cytogenetic location: 7q21.2.
Variant type: single nucleotide variant.
Coding change: c.1519G>A on transcript NM_152703.5 (MANE Select); coding-DNA position 1519, G replaced by A.
Protein change: p.Glu507Lys; replaces glutamic acid 507 with lysine.
Molecular consequence: missense variant.
Genome position (GRCh38, 1-based): chr7:93,134,453, C>T on the plus strand (G>A on the coding strand, the complement: SAMD9L is on the minus strand). VCF-style: chr7-93134453-C-T. GRCh37 (hg19) VCF-style: chr7-92763766-C-T.
Other names: c.1519G>A (NM_152703.2); c.1519G>A, p.Glu507Lys (NM_001303496.3, NM_001303497.3, NM_001303498.3 and 5 more transcripts); short protein forms E507K.
Identifiers: ClinVar variation 1518867 (VCV001518867.7), dbSNP rs757728711, ClinGen allele CA4343714.